The following is an entry in ClinVar:

ClinVar aggregate classification (germline): Uncertain significance (1 of 4 stars; one submission).

Conditions:
Infantile-onset ascending hereditary spastic paralysis (IAHSP). Also called: Autosomal Recessive Juvenile Amyotrophic Lateral Sclerosis; Infantile-Onset Ascending Hereditary Spastic Paralysis (IAHSP). Identifiers: Orphanet 293168, MedGen C2931441, MONDO:0011797, OMIM 607225. Disease mechanism: loss of function.

Allele frequency attached by ClinVar (database versions not stated): TOPMed below 0.00001; gnomAD 0.00001.
gnomAD v4.1: 14 of 1,607,528 alleles (0.00087%); highest among the groups gnomAD compares: Middle Eastern, 0.2%; 1 homozygote.

Submission:

Labcorp Genetics (formerly Invitae), Labcorp
Classification: Uncertain significance for Infantile-onset ascending hereditary spastic paralysis. Last evaluated: 2022-04-04. Review status: criteria provided, single submitter. Criteria: Invitae Variant Classification Sherloc (09022015). Collection method: clinical testing. Allele origin: germline.
Comment: In summary, the available evidence is currently insufficient to determine the role of this variant in disease. Therefore, it has been classified as a Variant of Uncertain Significance. Algorithms developed to predict the effect of missense changes on protein structure and function are either unavailable or do not agree on the potential impact of this missense change (SIFT: "Deleterious"; PolyPhen-2: "Probably Damaging"; Align-GVGD: "Class C0"). This variant has not been reported in the literature in individuals affected with ALS2-related conditions. This variant is present in population databases (no rsID available, gnomAD 0.003%). This sequence change replaces cysteine, which is neutral and slightly polar, with phenylalanine, which is neutral and non-polar, at codon 178 of the ALS2 protein (p.Cys178Phe).

NM_020919.4(ALS2):c.533G>T (p.Cys178Phe)

Gene: ALS2 (alsin Rho guanine nucleotide exchange factor ALS2; minus strand). Cytogenetic location: 2q33.1.
Variant type: single nucleotide variant.
Coding change: c.533G>T on transcript NM_020919.4 (MANE Select); coding-DNA position 533, G replaced by T.
Protein change: p.Cys178Phe; replaces cysteine 178 with phenylalanine.
Molecular consequence: missense variant.
Genome position (GRCh38, 1-based): chr2:201,761,461, C>A on the plus strand (G>T on the coding strand, the complement: ALS2 is on the minus strand). VCF-style: chr2-201761461-C-A. GRCh37 (hg19) VCF-style: chr2-202626184-C-A.
Other names: c.533G>T, p.Cys178Phe (NM_001135745.2, NM_001410975.1); short protein forms C178F.
Identifiers: ClinVar variation 2136972 (VCV002136972.3), dbSNP rs372000096, ClinGen allele CA63971670.